The following is an entry in ClinVar:

NM_005144.5(HR):c.1588G>A (p.Glu530Lys)

Gene: HR (HR lysine demethylase and nuclear receptor corepressor; minus strand). Cytogenetic location: 8p21.3.
Variant type: single nucleotide variant.
Coding change: c.1588G>A on transcript NM_005144.5 (MANE Select); coding-DNA position 1588, G replaced by A.
Protein change: p.Glu530Lys; replaces glutamic acid 530 with lysine.
Molecular consequence: missense variant.
Genome position (GRCh38, 1-based): chr8:22,125,473, C>T on the plus strand (G>A on the coding strand, the complement: HR is on the minus strand). VCF-style: chr8-22125473-C-T. GRCh37 (hg19) VCF-style: chr8-21982986-C-T.
Other names: c.1588G>A (NM_005144.4); c.1588G>A, p.Glu530Lys (NM_018411.4); short protein forms E530K.
Identifiers: ClinVar variation 2276730 (VCV002276730.9), dbSNP rs151088657, ClinGen allele CA4662404.

ClinVar aggregate classification (germline): Uncertain significance. Review status: criteria provided, multiple submitters, no conflicts (2 of 4 stars). 2 submissions from 2 submitters: Uncertain significance (2). Last evaluated 2024-08-01.

Conditions:
Inborn genetic diseases. Identifiers: MedGen C0950123, MeSH D030342.

Allele frequency attached by ClinVar (database versions not stated): gnomAD exomes 0.00003; ExAC 0.00006; gnomAD 0.00015; 1000 Genomes Project 30x 0.00016; 1000 Genomes Project 0.00020; TOPMed 0.00020; ESP Exome Variant Server 0.00038.

Submissions (2):

Ambry Genetics
Classification: Uncertain significance for Inborn genetic diseases. Last evaluated: 2024-08-01. Review status: criteria provided, single submitter. Criteria: Ambry Variant Classification Scheme 2023. Collection method: clinical testing. Allele origin: germline.

Labcorp Genetics (formerly Invitae), Labcorp
Classification: Uncertain significance. Last evaluated: 2022-03-01. Review status: criteria provided, single submitter. Criteria: Invitae Variant Classification Sherloc (09022015). Collection method: clinical testing. Allele origin: germline.
Comment: In summary, the available evidence is currently insufficient to determine the role of this variant in disease. Therefore, it has been classified as a Variant of Uncertain Significance. Algorithms developed to predict the effect of missense changes on protein structure and function are either unavailable or do not agree on the potential impact of this missense change (SIFT: "Deleterious"; PolyPhen-2: "Benign"; Align-GVGD: "Class C0"). This variant has not been reported in the literature in individuals affected with HR-related conditions. This variant is present in population databases (rs151088657, gnomAD 0.06%). This sequence change replaces glutamic acid, which is acidic and polar, with lysine, which is basic and polar, at codon 530 of the HR protein (p.Glu530Lys).